The following is an entry in ClinVar:

ClinVar aggregate classification (germline): Uncertain significance (1 of 4 stars; one submission).

Conditions:
Hereditary cancer-predisposing syndrome. Also called: Hereditary neoplastic syndrome; Hereditary Cancer Syndrome; Neoplastic Syndromes, Hereditary; Tumor predisposition. Identifiers: Orphanet 140162, MedGen C0027672, MeSH D009386, MONDO:0015356.

Submission:

Ambry Genetics
Classification: Uncertain significance for Hereditary cancer-predisposing syndrome. Last evaluated: 2023-04-19. Review status: criteria provided, single submitter. Criteria: Ambry Variant Classification Scheme 2023. Collection method: clinical testing. Allele origin: germline.
Comment: The p.D277Y variant (also known as c.829G>T), located in coding exon 9 of the NF2 gene, results from a G to T substitution at nucleotide position 829. The aspartic acid at codon 277 is replaced by tyrosine, an amino acid with highly dissimilar properties. This amino acid position is conserved. In addition, this alteration is predicted to be deleterious by in silico analysis. Since supporting evidence is limited at this time, the clinical significance of this alteration remains unclear.

NM_000268.4(NF2):c.829G>T (p.Asp277Tyr)

Gene: NF2 (NF2, moesin-ezrin-radixin like (MERLIN) tumor suppressor; plus strand). Cytogenetic location: 22q12.2.
Variant type: single nucleotide variant.
Coding change: c.829G>T on transcript NM_000268.4 (MANE Select); coding-DNA position 829, G replaced by T.
Protein change: p.Asp277Tyr; replaces aspartic acid 277 with tyrosine.
Molecular consequence: missense variant. On other transcripts: non-coding transcript variant (1), intron variant (1).
Genome position (GRCh38, 1-based): chr22:29,665,008, G>T. VCF-style: chr22-29665008-G-T. GRCh37 (hg19) VCF-style: chr22-30060997-G-T.
Other names: c.715G>T, p.Asp239Tyr (NM_001407053.1, NM_001407056.1); c.706G>T, p.Asp236Tyr (NM_001407054.1, NM_001407058.1, NM_181829.3); c.703G>T, p.Asp235Tyr (NM_001407055.1, NM_181828.3); c.694G>T, p.Asp232Tyr (NM_001407057.1, NM_001407059.1); c.829G>T, p.Asp277Tyr (NM_001407060.1, NM_001407066.1, NM_016418.5 and 2 more transcripts); c.571G>T, p.Asp191Tyr (NM_001407062.1); c.580G>T, p.Asp194Tyr (NM_001407063.1, NM_001407064.1, NM_181830.3 and 1 more transcripts); c.295G>T, p.Asp99Tyr (NM_001407065.1); and 2 more; short protein forms D235Y, D277Y, D99Y, D200Y, D239Y, D191Y, D194Y, D236Y.
Identifiers: ClinVar variation 2568053 (VCV002568053.2), dbSNP rs2147033400, ClinGen allele CA411144562.